The following is an entry in ClinVar:

NM_005869.4(CWC27):c.243G>A (p.Ala81=)

Gene: CWC27 (CWC27 spliceosome associated cyclophilin; plus strand). Cytogenetic location: 5q12.3.
Variant type: single nucleotide variant.
Coding change: c.243G>A on transcript NM_005869.4 (MANE Select); coding-DNA position 243, G replaced by A.
Protein change: p.Ala81=; no amino-acid change (alanine 81 retained).
Molecular consequence: synonymous variant.
Genome position (GRCh38, 1-based): chr5:64,782,024, G>A. VCF-style: chr5-64782024-G-A. GRCh37 (hg19) VCF-style: chr5-64077851-G-A.
Other names: c.243G>A, p.Ala81= (NM_001297644.1, NM_001297645.2, NM_001318000.2 and 1 more transcripts); c.243G>A (NM_005869.3).
Identifiers: ClinVar variation 1082716 (VCV001082716.12), dbSNP rs753031106, ClinGen allele CA3281884.

ClinVar aggregate classification (germline): Likely benign. Review status: criteria provided, multiple submitters, no conflicts (2 of 4 stars). 3 submissions from 3 submitters: Likely benign (3). Last evaluated 2025-12-10.

Conditions:
CWC27-related disorder. Also called: CWC27-related condition.

Allele frequency attached by ClinVar (database versions not stated): gnomAD exomes 0.00002; ExAC 0.00003; gnomAD 0.00003; TOPMed 0.00003.
gnomAD v4.1: 63 of 1,490,624 alleles (0.0042%); highest among the groups gnomAD compares: Non-Finnish European, 0.0054%; no homozygotes.

Submissions (3):

Labcorp Genetics (formerly Invitae), Labcorp
Classification: Likely benign. Last evaluated: 2025-12-10. Review status: criteria provided, single submitter. Criteria: Invitae Variant Classification Sherloc (09022015). Collection method: clinical testing. Allele origin: germline.

PreventionGenetics, part of Exact Sciences
Classification: Likely benign for CWC27-related condition. Last evaluated: 2025-11-26. Review status: criteria provided, single submitter. Criteria: ACMG Guidelines, 2015. Collection method: clinical testing. Allele origin: germline.
Comment: This variant is classified as likely benign based on ACMG/AMP sequence variant interpretation guidelines (Richards et al. 2015 PMID: 25741868, with internal and published modifications).

Blueprint Genetics
Classification: Likely benign. Last evaluated: 2024-05-03. Review status: criteria provided, single submitter. Criteria: ACMG Guidelines, 2015. Collection method: clinical testing. Allele origin: germline.